The following is an entry in ClinVar:

ClinVar aggregate classification (germline): Pathogenic (1 of 4 stars; one submission).

Conditions:
Mowat-Wilson syndrome (MOWS). Also called: Classic Mowat-Wilson Syndrome. Identifiers: Orphanet 2152, MedGen C1856113, MONDO:0009341, OMIM 235730.

Submission:

Labcorp Genetics (formerly Invitae), Labcorp
Classification: Pathogenic for Mowat-Wilson syndrome. Last evaluated: 2022-12-25. Review status: criteria provided, single submitter. Criteria: Invitae Variant Classification Sherloc (09022015). Collection method: clinical testing. Allele origin: germline.
Comment: For these reasons, this variant has been classified as Pathogenic. This variant has not been reported in the literature in individuals affected with ZEB2-related conditions. This variant is not present in population databases (gnomAD no frequency). This sequence change creates a premature translational stop signal (p.Asn67Thrfs*8) in the ZEB2 gene. It is expected to result in an absent or disrupted protein product. Loss-of-function variants in ZEB2 are known to be pathogenic (PMID: 16053902).

Literature cited by the submitters: PubMed 16053902.

NM_014795.4(ZEB2):c.198del (p.Asn67fs)

Gene: ZEB2 (zinc finger E-box binding homeobox 2; minus strand). Cytogenetic location: 2q22.3.
Variant type: Deletion.
Coding change: c.198del on transcript NM_014795.4 (MANE Select); coding-DNA position 198, one base deleted (C; older notation c.198delC).
Protein change: p.Asn67fs; shifts the reading frame from asparagine 67.
Molecular consequence: frameshift variant.
Genome position (GRCh38, 1-based): chr2:144,429,902, G deleted on the plus strand (C on the coding strand, the reverse complement: ZEB2 is on the minus strand); the first of 3 consecutive G bases (chr2:144,429,902-144,429,904); deleting any one gives the same sequence. VCF-style (leftmost placement, unchanged base first): chr2-144429901-TG-T. GRCh37 (hg19) VCF-style: chr2-145187468-TG-T.
Other names: c.198del, p.Asn67fs (NM_001171653.2); short protein forms N67fs.
Identifiers: ClinVar variation 2824121 (VCV002824121.3), dbSNP rs2549120673, ClinGen allele CA2739271222.